The following is an entry in ClinVar:

ClinVar aggregate classification (germline): Pathogenic (1 of 4 stars; one submission).

Submission:

Labcorp Genetics (formerly Invitae), Labcorp
Classification: Pathogenic. Last evaluated: 2021-11-15. Review status: criteria provided, single submitter. Criteria: Invitae Variant Classification Sherloc (09022015). Collection method: clinical testing. Allele origin: germline.
Comment: For these reasons, this variant has been classified as Pathogenic. This variant disrupts a region of the CDH23 protein in which other variant(s) (p.Pro240Leu) have been determined to be pathogenic (PMID: 17850630, 22443853, 22899989, 23967202). This suggests that this is a clinically significant region of the protein, and that variants that disrupt it are likely to be disease-causing. This variant has not been reported in the literature in individuals affected with CDH23-related conditions. This variant is a gross deletion of the genomic region encompassing exon(s) 4-9 of the CDH23 gene. This variant would be expected to be in-frame, preserving the integrity of the reading frame.

Literature cited by the submitters: PubMed 17850630; PubMed 22443853; PubMed 22899989; PubMed 23967202.

NC_000010.10:g.(?_73269829)_(73337759_?)del

Gene: CDH23 (cadherin related 23; plus strand). Cytogenetic location: 10q22.1.
Variant type: Deletion.
Identifiers: ClinVar variation 2426726 (VCV002426726.4).